The following is an entry in ClinVar:

NM_020937.4(FANCM):c.4979C>T (p.Ser1660Leu)

Gene: FANCM (FA complementation group M; plus strand). Cytogenetic location: 14q21.2.
Variant type: single nucleotide variant.
Coding change: c.4979C>T on transcript NM_020937.4 (MANE Select); coding-DNA position 4979, C replaced by T.
Protein change: p.Ser1660Leu; replaces serine 1660 with leucine.
Molecular consequence: missense variant.
Genome position (GRCh38, 1-based): chr14:45,189,001, C>T. VCF-style: chr14-45189001-C-T. GRCh37 (hg19) VCF-style: chr14-45658204-C-T.
Other names: c.4901C>T, p.Ser1634Leu (NM_001308133.2); c.4979C>T (NM_020937.2); short protein forms S1634L, S1660L.
Identifiers: ClinVar variation 1034844 (VCV001034844.10), dbSNP rs547959452, ClinGen allele CA7169887.
Genomic context (GRCh38, chr14:45,189,001, plus strand): 5'-AGTATAAAACTCGACGTGCAGTAATGCTAAAAGAAATGATGGAACAAAATTGTGCACATT[C>T]AAAAAAGAAATTATCCAGAATTATTTTACCAGATGATTCAAGTGAGGAGGAGAACAATGT-3'
Protein context (NP_065988.1, residues 1650-1670): KEMMEQNCAH[Ser1660Leu]KKKLSRIILP

ClinVar aggregate classification (germline): Uncertain significance. Review status: criteria provided, multiple submitters, no conflicts (2 of 4 stars). 2 submissions from 2 submitters: Uncertain significance (2). Last evaluated 2026-01-26.

Conditions:
Inborn genetic diseases. Identifiers: MedGen C0950123, MeSH D030342.
Fanconi anemia (FA). Also called: Fanconi's anemia. Identifiers: Orphanet 84, MedGen C0015625, MeSH D005199, MONDO:0019391.

Allele frequency attached by ClinVar (database versions not stated): gnomAD exomes below 0.00001; ExAC 0.00001; gnomAD 0.00001; 1000 Genomes Project 30x 0.00016; 1000 Genomes Project 0.00020.
gnomAD v4.1: 1 of 1,613,718 alleles (0.000062%); highest among the groups gnomAD compares: South Asian, 0.0011%; no homozygotes.

Submissions (2):

Labcorp Genetics (formerly Invitae), Labcorp
Classification: Uncertain significance for Fanconi anemia. Last evaluated: 2026-01-26. Review status: criteria provided, single submitter. Criteria: Invitae Variant Classification Sherloc (09022015). Collection method: clinical testing. Allele origin: germline.
Comment: This sequence change replaces serine, which is neutral and polar, with leucine, which is neutral and non-polar, at codon 1660 of the FANCM protein (p.Ser1660Leu). This variant is present in population databases (rs547959452, gnomAD 0.003%). This variant has not been reported in the literature in individuals affected with FANCM-related conditions. ClinVar contains an entry for this variant (Variation ID: 1034844). An algorithm developed to predict the effect of missense changes on protein structure and function outputs the following: PolyPhen-2: "Benign". The leucine amino acid residue is found in multiple mammalian species, which suggests that this missense change does not adversely affect protein function. In summary, the available evidence is currently insufficient to determine the role of this variant in disease. Therefore, it has been classified as a Variant of Uncertain Significance.

Ambry Genetics
Classification: Uncertain significance for Inborn genetic diseases. Last evaluated: 2025-11-24. Review status: criteria provided, single submitter. Criteria: Ambry Variant Classification Scheme 2023. Collection method: clinical testing. Allele origin: germline.
Comment: The p.S1660L variant (also known as c.4979C>T), located in coding exon 20 of the FANCM gene, results from a C to T substitution at nucleotide position 4979. The serine at codon 1660 is replaced by leucine, an amino acid with dissimilar properties. This amino acid position is conserved. In addition, this alteration is predicted to be tolerated by in silico analysis. Based on the available evidence, the clinical significance of this variant remains unclear.